The following is an entry in ClinVar:

NM_000222.3(KIT):c.2231T>C (p.Ile744Thr)

Gene: KIT (KIT proto-oncogene, receptor tyrosine kinase; plus strand). Cytogenetic location: 4q12.
Variant type: single nucleotide variant.
Coding change: c.2231T>C on transcript NM_000222.3 (MANE Select); coding-DNA position 2231, T replaced by C.
Protein change: p.Ile744Thr; replaces isoleucine 744 with threonine.
Molecular consequence: missense variant.
Genome position (GRCh38, 1-based): chr4:54,731,417, T>C. VCF-style: chr4-54731417-T-C. GRCh37 (hg19) VCF-style: chr4-55597583-T-C.
Other names: c.2219T>C, p.Ile740Thr (NM_001093772.2, NM_001385292.1); c.2234T>C, p.Ile745Thr (NM_001385284.1); c.2228T>C, p.Ile743Thr (NM_001385285.1); c.2216T>C, p.Ile739Thr (NM_001385286.1); c.2222T>C, p.Ile741Thr (NM_001385288.1); c.2231T>C, p.Ile744Thr (NM_001385290.1); short protein forms I744T, I740T, I739T, I741T, I743T, I745T.
Identifiers: ClinVar variation 566451 (VCV000566451.15), dbSNP rs549887751, ClinGen allele CA2923681.

ClinVar aggregate classification (germline): Conflicting classifications of pathogenicity. Review status: criteria provided, conflicting classifications (1 of 4 stars). 3 submissions from 3 submitters: Uncertain significance (2); Likely benign (1). Last evaluated 2026-01-19.

Conditions:
Hereditary cancer-predisposing syndrome. Also called: Hereditary neoplastic syndrome; Neoplastic Syndromes, Hereditary; Hereditary Cancer Syndrome; Tumor predisposition. Identifiers: Orphanet 140162, MedGen C0027672, MeSH D009386, MONDO:0015356.
Gastrointestinal stromal tumor. Also called: Gastrointestinal stromal tumor, somatic; Gastrointestinal stroma tumor. Identifiers: Orphanet 44890, MedGen C0238198, MeSH D046152, MONDO:0011719, OMIM 606764, HP:0100723.

Allele frequency attached by ClinVar (database versions not stated): ExAC 0.00001; gnomAD 0.00001; gnomAD exomes 0.00001 and 0.00004; TOPMed 0.00001; 1000 Genomes Project 30x 0.00031; 1000 Genomes Project 0.00040.
gnomAD v4.1: 15 of 1,605,986 alleles (0.00093%); highest among the groups gnomAD compares: East Asian, 0.025%; no homozygotes.

Submissions (3):

Labcorp Genetics (formerly Invitae), Labcorp
Classification: Uncertain significance for Gastrointestinal stromal tumor. Last evaluated: 2026-01-19. Review status: criteria provided, single submitter. Criteria: Invitae Variant Classification Sherloc (09022015). Collection method: clinical testing. Allele origin: germline.
Comment: This sequence change replaces isoleucine, which is neutral and non-polar, with threonine, which is neutral and polar, at codon 744 of the KIT protein (p.Ile744Thr). This variant is present in population databases (rs549887751, gnomAD 0.05%). This variant has not been reported in the literature in individuals affected with KIT-related conditions. ClinVar contains an entry for this variant (Variation ID: 566451). An algorithm developed to predict the effect of missense changes on protein structure and function (PolyPhen-2) suggests that this variant is likely to be tolerated. In summary, the available evidence is currently insufficient to determine the role of this variant in disease. Therefore, it has been classified as a Variant of Uncertain Significance.

GeneDx
Classification: Uncertain significance. Last evaluated: 2023-10-29. Review status: criteria provided, single submitter. Criteria: GeneDx Variant Classification Process June 2021. Collection method: clinical testing. Allele origin: germline. Affected: yes.
Comment: In silico analysis supports that this missense variant does not alter protein structure/function; Has not been previously published as pathogenic or benign to our knowledge

Ambry Genetics
Classification: Likely benign for Hereditary cancer-predisposing syndrome. Last evaluated: 2019-01-16. Review status: criteria provided, single submitter. Criteria: Ambry Variant Classification Scheme 2023. Collection method: clinical testing. Allele origin: germline.